The following is an entry in ClinVar:

ClinVar aggregate classification (germline): Uncertain significance (1 of 4 stars; one submission).

Allele frequency attached by ClinVar (database versions not stated): gnomAD exomes 0.00002 and 0.00003; ExAC 0.00005; TOPMed 0.00005; gnomAD 0.00006; ESP Exome Variant Server 0.00008.
gnomAD v4.1: 35 of 1,613,226 alleles (0.0022%); highest among the groups gnomAD compares: African/African-American, 0.0093%; no homozygotes.

Submission:

Labcorp Genetics (formerly Invitae), Labcorp
Classification: Uncertain significance. Last evaluated: 2024-10-24. Review status: criteria provided, single submitter. Criteria: Invitae Variant Classification Sherloc (09022015). Collection method: clinical testing. Allele origin: germline.
Comment: This sequence change replaces arginine, which is basic and polar, with cysteine, which is neutral and slightly polar, at codon 3239 of the PCLO protein (p.Arg3239Cys). This variant is present in population databases (rs377059138, gnomAD 0.03%). This variant has not been reported in the literature in individuals affected with PCLO-related conditions. ClinVar contains an entry for this variant (Variation ID: 1446116). Experimental studies and prediction algorithms are not available or were not evaluated, and the functional significance of this variant is currently unknown. In summary, the available evidence is currently insufficient to determine the role of this variant in disease. Therefore, it has been classified as a Variant of Uncertain Significance.

NM_033026.6(PCLO):c.9715C>T (p.Arg3239Cys)

Gene: PCLO (piccolo presynaptic cytomatrix protein; minus strand). Cytogenetic location: 7q21.11.
Variant type: single nucleotide variant.
Coding change: c.9715C>T on transcript NM_033026.6 (MANE Select); coding-DNA position 9715, C replaced by T.
Protein change: p.Arg3239Cys; replaces arginine 3239 with cysteine.
Molecular consequence: missense variant.
Genome position (GRCh38, 1-based): chr7:82,950,873, G>A on the plus strand (C>T on the coding strand, the complement: PCLO is on the minus strand). VCF-style: chr7-82950873-G-A. GRCh37 (hg19) VCF-style: chr7-82580189-G-A.
Other names: c.9715C>T, p.Arg3239Cys (NM_014510.3); short protein forms R3239C.
Identifiers: ClinVar variation 1446116 (VCV001446116.8), dbSNP rs377059138, ClinGen allele CA4319860.